The following is an entry in ClinVar:

ClinVar aggregate classification (germline): Uncertain significance (1 of 4 stars; one submission).

Conditions:
Charcot-Marie-Tooth disease type 2. Also called: Charcot-Marie-Tooth type 2. Identifiers: Orphanet 64746, MedGen C0270914, MONDO:0018993.

Submission:

Labcorp Genetics (formerly Invitae), Labcorp
Classification: Uncertain significance for Charcot-Marie-Tooth disease type 2. Last evaluated: 2024-09-29. Review status: criteria provided, single submitter. Criteria: Invitae Variant Classification Sherloc (09022015). Collection method: clinical testing. Allele origin: germline.
Comment: This sequence change replaces glycine, which is neutral and non-polar, with aspartic acid, which is acidic and polar, at codon 138 of the MFN2 protein (p.Gly138Asp). This variant is not present in population databases (gnomAD no frequency). This variant has not been reported in the literature in individuals affected with MFN2-related conditions. Invitae Evidence Modeling of protein sequence and biophysical properties (such as structural, functional, and spatial information, amino acid conservation, physicochemical variation, residue mobility, and thermodynamic stability) indicates that this missense variant is expected to disrupt MFN2 protein function with a positive predictive value of 95%. In summary, the available evidence is currently insufficient to determine the role of this variant in disease. Therefore, it has been classified as a Variant of Uncertain Significance.

NM_014874.4(MFN2):c.413G>A (p.Gly138Asp)

Gene: MFN2 (mitofusin 2; plus strand). Cytogenetic location: 1p36.22.
Variant type: single nucleotide variant.
Coding change: c.413G>A on transcript NM_014874.4 (MANE Select); coding-DNA position 413, G replaced by A.
Protein change: p.Gly138Asp; replaces glycine 138 with aspartic acid.
Molecular consequence: missense variant.
Genome position (GRCh38, 1-based): chr1:11,996,257, G>A. VCF-style: chr1-11996257-G-A. GRCh37 (hg19) VCF-style: chr1-12056314-G-A.
Other names: c.413G>A, p.Gly138Asp (NM_001127660.2); short protein forms G138D.
Identifiers: ClinVar variation 3627664 (VCV003627664.2).
Genomic context (GRCh38, chr1:11,996,257, plus strand): 5'-GGGACAAAGTTCTGCCCTCTGGGATTGGCCACACCACCAATTGCTTCCTGCGGGTAGAGG[G>A]CACAGATGGCCATGAGGCCTTTCTCCTTACCGAGGGCTCAGAGGAAAAGAGGAGTGCCAA-3'
Protein context (NP_055689.1, residues 128-148): HTTNCFLRVE[Gly138Asp]TDGHEAFLLT